The following is an entry in ClinVar:

ClinVar aggregate classification (germline): Likely benign. Review status: criteria provided, multiple submitters, no conflicts (2 of 4 stars). 2 submissions from 2 submitters: Likely benign (2). Last evaluated 2025-10-12.

Conditions:
Ehlers-Danlos syndrome, dermatosparaxis type. Also called: Dermatosparaxis; EDS VIIC; Ehlers-Danlos syndrome, type VII, autosomal recessive. Identifiers: Orphanet 1901, MedGen C2700425, MONDO:0009161, OMIM 225410.

Submissions (2):

Labcorp Genetics (formerly Invitae), Labcorp
Classification: Likely benign for Ehlers-Danlos syndrome, dermatosparaxis type. Last evaluated: 2025-10-12. Review status: criteria provided, single submitter. Criteria: Invitae Variant Classification Sherloc (09022015). Collection method: clinical testing. Allele origin: germline.

Women's Health and Genetics/Laboratory Corporation of America, LabCorp
Classification: Likely benign. Last evaluated: 2025-02-21. Review status: criteria provided, single submitter. Criteria: LabCorp Variant Classification Summary - May 2015. Collection method: clinical testing. Allele origin: germline.
Comment: Variant summary: ADAMTS2 c.1952-23_1952-16delACCCCCAG alters a nucleotide located at a position not widely known to affect splicing. Consensus agreement among computation tools predict no significant impact on normal splicing. However, these predictions have yet to be confirmed by functional studies. The variant allele was found at a frequency of 2e-05 in 251042 control chromosomes. The available data on variant occurrences in the general population are insufficient to allow any conclusion about variant significance. To our knowledge, no occurrence of c.1952-23_1952-16delACCCCCAG in individuals affected with Ehlers-Danlos syndrome, dermatosparaxis type and no experimental evidence demonstrating its impact on protein function have been reported. ClinVar contains an entry for this variant (Variation ID: 1637264). Based on the evidence outlined above, the variant was classified as likely benign.

NM_014244.5(ADAMTS2):c.1952-23_1952-16del

Gene: ADAMTS2 (ADAM metallopeptidase with thrombospondin type 1 motif 2; minus strand). Cytogenetic location: 5q35.3.
Variant type: Deletion.
Coding change: c.1952-23_1952-16del on transcript NM_014244.5 (MANE Select); 23 bases into the intron before coding-DNA position 1952 through 16 bases into the intron before coding-DNA position 1952, 8 bases deleted (ACCCCCAG; older notation c.1952-23_1952-16delACCCCCAG).
Molecular consequence: intron variant.
Genome position (GRCh38, 1-based): chr5:179,136,058-179,136,065, CTGGGGGT deleted on the plus strand (ACCCCCAG on the coding strand, the reverse complement: ADAMTS2 is on the minus strand); deleting any 8 consecutive bases within chr5:179,136,058-179,136,068 gives the same sequence; the c. name uses the placement nearest the transcript's 3' end. VCF-style (leftmost placement, unchanged base first): chr5-179136057-GCTGGGGGT-G. GRCh37 (hg19) VCF-style: chr5-178563058-GCTGGGGGT-G.
Other names: c.1952-23_1952-16delACCCCCAG (NM_014244.5).
Identifiers: ClinVar variation 1637264 (VCV001637264.9), dbSNP rs773015606, ClinGen allele CA3595728.